The following is an entry in ClinVar:

ClinVar aggregate classification (germline): Uncertain significance (1 of 4 stars; one submission).

Conditions:
Congenital disorder of glycosylation, type Iaa. Also called: Congenital disorder of glycosylation, type 1aa. Identifiers: MedGen C4310727, MONDO:0014904, OMIM 617082.

Submission:

Labcorp Genetics (formerly Invitae), Labcorp
Classification: Uncertain significance for Congenital disorder of glycosylation, type Iaa. Last evaluated: 2023-04-07. Review status: criteria provided, single submitter. Criteria: Invitae Variant Classification Sherloc (09022015). Collection method: clinical testing. Allele origin: germline.
Comment: In summary, the available evidence is currently insufficient to determine the role of this variant in disease. Therefore, it has been classified as a Variant of Uncertain Significance. Algorithms developed to predict the effect of missense changes on protein structure and function output the following: SIFT: "Not Available"; PolyPhen-2: "Benign"; Align-GVGD: "Not Available". The alanine amino acid residue is found in multiple mammalian species, which suggests that this missense change does not adversely affect protein function. This variant has not been reported in the literature in individuals affected with NUS1-related conditions. This variant is not present in population databases (gnomAD no frequency). This sequence change replaces threonine, which is neutral and polar, with alanine, which is neutral and non-polar, at codon 32 of the NUS1 protein (p.Thr32Ala).

NM_138459.5(NUS1):c.94A>G (p.Thr32Ala)

Gene: NUS1 (NUS1 dehydrodolichyl diphosphate synthase subunit; plus strand). Cytogenetic location: 6q22.1.
Variant type: single nucleotide variant.
Coding change: c.94A>G on transcript NM_138459.5 (MANE Select); coding-DNA position 94, A replaced by G.
Protein change: p.Thr32Ala; replaces threonine 32 with alanine.
Molecular consequence: missense variant.
Genome position (GRCh38, 1-based): chr6:117,675,764, A>G. VCF-style: chr6-117675764-A-G. GRCh37 (hg19) VCF-style: chr6-117996927-A-G.
Other names: short protein forms T32A.
Identifiers: ClinVar variation 2983488 (VCV002983488.3), dbSNP rs1194515810, ClinGen allele CA365535882.